The following is an entry in ClinVar:

NM_001077350.3(NPRL3):c.470A>G (p.Glu157Gly)

Genes: HBA-LCR (alpha-globin locus control region; plus strand), NPRL3 (NPR3 like, GATOR1 complex subunit; minus strand). Cytogenetic location: 16p13.3.
Variant type: single nucleotide variant.
Coding change: c.470A>G on transcript NM_001077350.3 (MANE Select); coding-DNA position 470, A replaced by G.
Protein change: p.Glu157Gly; replaces glutamic acid 157 with glycine.
Molecular consequence: missense variant. On other transcripts: 5 prime UTR variant (1).
Genome position (GRCh38, 1-based): chr16:112,699, T>C on the plus strand (A>G on the coding strand, the complement: NPRL3 is on the minus strand). VCF-style: chr16-112699-T-C. GRCh37 (hg19) VCF-style: chr16-162698-T-C.
Other names: c.-68A>G (NM_001039476.3); c.236A>G, p.Glu79Gly (NM_001243247.2); c.395A>G, p.Glu132Gly (NM_001243248.2, NM_001243249.2); short protein forms E132G, E157G, E79G.
Identifiers: ClinVar variation 1052346 (VCV001052346.14), dbSNP rs762922931, ClinGen allele CA7769654.

ClinVar aggregate classification (germline): Uncertain significance. Review status: criteria provided, multiple submitters, no conflicts (2 of 4 stars). 3 submissions from 3 submitters: Uncertain significance (3). Last evaluated 2024-11-21.

Conditions:
Epilepsy, familial focal, with variable foci 3 (FFEVF3). Identifiers: MedGen C4310708, MONDO:0014925, OMIM 617118.

Allele frequency attached by ClinVar (database versions not stated): gnomAD exomes 0.00002; ExAC 0.00003.
gnomAD v4.1: 5 of 1,611,500 alleles (0.00031%); highest among the groups gnomAD compares: Admixed American, 0.0067%; no homozygotes.

Submissions (3):

Labcorp Genetics (formerly Invitae), Labcorp
Classification: Uncertain significance for Epilepsy, familial focal, with variable foci 3. Last evaluated: 2024-11-21. Review status: criteria provided, single submitter. Criteria: Invitae Variant Classification Sherloc (09022015). Collection method: clinical testing. Allele origin: germline.
Comment: This sequence change replaces glutamic acid, which is acidic and polar, with glycine, which is neutral and non-polar, at codon 157 of the NPRL3 protein (p.Glu157Gly). This variant is present in population databases (rs762922931, gnomAD 0.009%). This variant has not been reported in the literature in individuals affected with NPRL3-related conditions. ClinVar contains an entry for this variant (Variation ID: 1052346). Invitae Evidence Modeling of protein sequence and biophysical properties (such as structural, functional, and spatial information, amino acid conservation, physicochemical variation, residue mobility, and thermodynamic stability) indicates that this missense variant is expected to disrupt NPRL3 protein function with a positive predictive value of 80%. In summary, the available evidence is currently insufficient to determine the role of this variant in disease. Therefore, it has been classified as a Variant of Uncertain Significance.

Women's Health and Genetics/Laboratory Corporation of America, LabCorp
Classification: Uncertain significance. Last evaluated: 2024-04-10. Review status: criteria provided, single submitter. Criteria: LabCorp Variant Classification Summary - May 2015. Collection method: clinical testing. Allele origin: germline.
Comment: Variant summary: NPRL3 c.470A>G (p.Glu157Gly) results in a non-conservative amino acid change in the encoded protein sequence. Four of five in-silico tools predict a damaging effect of the variant on protein function. The variant allele was found at a frequency of 2e-05 in 243932 control chromosomes. The available data on variant occurrences in the general population are insufficient to allow any conclusion about variant significance. To our knowledge, no occurrence of c.470A>G in individuals affected with Epilepsy, Familial Focal, With Variable Foci 1 and no experimental evidence demonstrating its impact on protein function have been reported. ClinVar contains an entry for this variant (Variation ID: 1052346). Based on the evidence outlined above, the variant was classified as uncertain significance.

GeneDx
Classification: Uncertain significance. Last evaluated: 2023-03-05. Review status: criteria provided, single submitter. Criteria: GeneDx Variant Classification Process June 2021. Collection method: clinical testing. Allele origin: germline. Affected: yes.
Comment: In silico analysis supports that this missense variant has a deleterious effect on protein structure/function; Has not been previously published as pathogenic or benign to our knowledge